The following is an entry in ClinVar:

ClinVar aggregate classification (germline): Conflicting classifications of pathogenicity. Review status: criteria provided, conflicting classifications (1 of 4 stars). 3 submissions from 3 submitters: Uncertain significance (2); Likely benign (1). Last evaluated 2026-01-25.

Conditions:
ALDH18A1-related de Barsy syndrome. Also called: DE BARSY SYNDROME A; Cutis laxa, autosomal recessive IIIA. Identifiers: Orphanet 2962, Orphanet 35664, MedGen C5234852, MONDO:0009053, OMIM 219150.
Autosomal dominant spastic paraplegia type 9. Identifiers: MedGen C1832669, MONDO:0015091.
de Barsy syndrome. Also called: Cutis laxa-corneal clouding-oligophrenia syndrome. Identifiers: Orphanet 2962, MedGen C0268354, MONDO:0017569.
Cutis laxa, autosomal dominant 3 (ADCL3). Identifiers: Orphanet 90348, MedGen C4225268, MONDO:0014706, OMIM 616603.

Allele frequency attached by ClinVar (database versions not stated): TOPMed 0.00002; gnomAD exomes 0.00003 and 0.00011; gnomAD 0.00004 and 0.00008; ExAC 0.00011; 1000 Genomes Project 0.00120; 1000 Genomes Project 30x 0.00125.
gnomAD v4.1: 61 of 1,614,020 alleles (0.0038%); highest among the groups gnomAD compares: East Asian, 0.12%; no homozygotes.

Submissions (3):

Labcorp Genetics (formerly Invitae), Labcorp
Classification: Uncertain significance for Autosomal dominant spastic paraplegia type 9; de Barsy syndrome; Cutis laxa, autosomal dominant 3. Last evaluated: 2026-01-25. Review status: criteria provided, single submitter. Criteria: Invitae Variant Classification Sherloc (09022015). Collection method: clinical testing. Allele origin: germline.
Comment: This sequence change falls in intron 3 of the ALDH18A1 gene. It does not directly change the encoded amino acid sequence of the ALDH18A1 protein. It affects a nucleotide within the consensus splice site. This variant is present in population databases (rs188362786, gnomAD 0.1%). This variant has not been reported in the literature in individuals affected with ALDH18A1-related conditions. ClinVar contains an entry for this variant (Variation ID: 681177). Variants that disrupt the consensus splice site are a relatively common cause of aberrant splicing (PMID: 17576681, 9536098). Algorithms developed to predict the effect of sequence changes on RNA splicing suggest that this variant is not likely to affect RNA splicing. In summary, the available evidence is currently insufficient to determine the role of this variant in disease. Therefore, it has been classified as a Variant of Uncertain Significance.

GeneDx
Classification: Likely benign. Last evaluated: 2018-03-27. Review status: criteria provided, single submitter. Criteria: GeneDx Variant Classification (06012015). Collection method: clinical testing. Allele origin: germline. Affected: yes.
Comment: This variant is considered likely benign or benign based on one or more of the following criteria: it is a conservative change, it occurs at a poorly conserved position in the protein, it is predicted to be benign by multiple in silico algorithms, and/or has population frequency not consistent with disease.

Illumina Laboratory Services, Illumina
Classification: Uncertain significance for ALDH18A1-related de Barsy syndrome. Last evaluated: 2018-01-13. Review status: criteria provided, single submitter. Criteria: ICSL Variant Classification Criteria 13 December 2019. Collection method: clinical testing. Allele origin: germline.

Literature cited by the submitters: PubMed 17576681 (cited by Labcorp Genetics (formerly Invitae), Labcorp); PubMed 9536098 (cited by Labcorp Genetics (formerly Invitae), Labcorp).

NM_002860.4(ALDH18A1):c.304-3C>T

Gene: ALDH18A1 (aldehyde dehydrogenase 18 family member A1; minus strand). Cytogenetic location: 10q24.1.
Variant type: single nucleotide variant.
Coding change: c.304-3C>T on transcript NM_002860.4 (MANE Select); 3 bases into the intron before coding-DNA position 304, C replaced by T.
Molecular consequence: intron variant.
Genome position (GRCh38, 1-based): chr10:95,637,439, G>A on the plus strand (C>T on the coding strand, the complement: ALDH18A1 is on the minus strand). VCF-style: chr10-95637439-G-A. GRCh37 (hg19) VCF-style: chr10-97397196-G-A.
Other names: c.-78-3790C>T (NM_001323419.2); c.-30-3C>T (NM_001323412.2, NM_001323418.2, NM_001323416.2); c.304-3C>T (NM_001323417.2, NM_001017423.2, NM_001323415.2 and 2 more transcripts).
Identifiers: ClinVar variation 681177 (VCV000681177.15), dbSNP rs188362786, ClinGen allele CA5620629.
Genomic context (GRCh38, chr10:95,637,439, plus strand): 5'-CTACGGCTCCACTGGTCACCAGCATCATCTCTCTGCCCTGATTCTGCAGCACTGATACCT[G>A]GGCATTGAGAAAGGAAAGGGGACTGTAAGTTACCGTACTGTCTCTTTCATCTCTTCACAA-3'